The following is an entry in ClinVar:

ClinVar aggregate classification (germline): Uncertain significance (1 of 4 stars; one submission).

Conditions:
Familial cold autoinflammatory syndrome 2 (FCAS2). Identifiers: Orphanet 247868, MedGen C2673198, MONDO:0012724, OMIM 611762.

Allele frequency attached by ClinVar (database versions not stated): gnomAD exomes below 0.00001; TOPMed below 0.00001; gnomAD 0.00001.
gnomAD v4.1: 3 of 1,613,996 alleles (0.00019%); highest among the groups gnomAD compares: Admixed American, 0.0017%; no homozygotes.

Submission:

Labcorp Genetics (formerly Invitae), Labcorp
Classification: Uncertain significance for Familial cold autoinflammatory syndrome 2. Last evaluated: 2024-01-31. Review status: criteria provided, single submitter. Criteria: Invitae Variant Classification Sherloc (09022015). Collection method: clinical testing. Allele origin: germline.
Comment: This sequence change replaces tryptophan, which is neutral and slightly polar, with arginine, which is basic and polar, at codon 470 of the NLRP12 protein (p.Trp470Arg). This variant is present in population databases (no rsID available, gnomAD 0.003%). This variant has not been reported in the literature in individuals affected with NLRP12-related conditions. Advanced modeling of protein sequence and biophysical properties (such as structural, functional, and spatial information, amino acid conservation, physicochemical variation, residue mobility, and thermodynamic stability) performed at Invitae indicates that this missense variant is not expected to disrupt NLRP12 protein function with a negative predictive value of 80%. In summary, the available evidence is currently insufficient to determine the role of this variant in disease. Therefore, it has been classified as a Variant of Uncertain Significance.

NM_144687.4(NLRP12):c.1408T>C (p.Trp470Arg)

Gene: NLRP12 (NLR family pyrin domain containing 12; minus strand). Cytogenetic location: 19q13.42.
Variant type: single nucleotide variant.
Coding change: c.1408T>C on transcript NM_144687.4 (MANE Select); coding-DNA position 1408, T replaced by C.
Protein change: p.Trp470Arg; replaces tryptophan 470 with arginine.
Molecular consequence: missense variant.
Genome position (GRCh38, 1-based): chr19:53,810,251, A>G on the plus strand (T>C on the coding strand, the complement: NLRP12 is on the minus strand). VCF-style: chr19-53810251-A-G. GRCh37 (hg19) VCF-style: chr19-54313505-A-G.
Other names: c.1408T>C, p.Trp470Arg (NM_001277126.2, NM_001277129.1); short protein forms W470R.
Identifiers: ClinVar variation 2712546 (VCV002712546.3), dbSNP rs1254976272, ClinGen allele CA407413603.